The following is an entry in ClinVar:

ClinVar aggregate classification (germline): Likely benign (0 of 4 stars; one submission).

Conditions:
NCOA1-related disorder. Also called: NCOA1-related condition.

gnomAD v4.1: 3 of 1,566,258 alleles (0.00019%); highest among the groups gnomAD compares: Non-Finnish European, 0.00026%; no homozygotes.

Submission:

PreventionGenetics, part of Exact Sciences
Classification: Likely benign for NCOA1-related condition. Last evaluated: 2024-01-31. Review status: no assertion criteria provided. Collection method: clinical testing. Allele origin: germline.
Comment: This variant is classified as likely benign based on ACMG/AMP sequence variant interpretation guidelines (Richards et al. 2015 PMID: 25741868, with internal and published modifications).

NM_003743.5(NCOA1):c.99G>A (p.Lys33=)

Gene: NCOA1 (nuclear receptor coactivator 1; plus strand). Cytogenetic location: 2p23.3.
Variant type: single nucleotide variant.
Coding change: c.99G>A on transcript NM_003743.5 (MANE Select); coding-DNA position 99, G replaced by A.
Protein change: p.Lys33=; no amino-acid change (lysine 33 retained).
Molecular consequence: synonymous variant.
Genome position (GRCh38, 1-based): chr2:24,665,758, G>A. VCF-style: chr2-24665758-G-A. GRCh37 (hg19) VCF-style: chr2-24888627-G-A.
Other names: c.99G>A, p.Lys33= (NM_001362950.1, NM_001362952.1, NM_001362954.1 and 3 more transcripts).
Identifiers: ClinVar variation 3351716 (VCV003351716.1).